The following is an entry in ClinVar:

NM_024675.4(PALB2):c.483C>T (p.Asp161=)

Gene: PALB2 (partner and localizer of BRCA2; minus strand). Cytogenetic location: 16p12.2.
Variant type: single nucleotide variant.
Coding change: c.483C>T on transcript NM_024675.4 (MANE Select); coding-DNA position 483, C replaced by T.
Protein change: p.Asp161=; no amino-acid change (aspartic acid 161 retained).
Molecular consequence: synonymous variant.
Genome position (GRCh38, 1-based): chr16:23,636,063, G>A on the plus strand (C>T on the coding strand, the complement: PALB2 is on the minus strand). VCF-style: chr16-23636063-G-A. GRCh37 (hg19) VCF-style: chr16-23647384-G-A.
Identifiers: ClinVar variation 1152112 (VCV001152112.11), dbSNP rs371627753, ClinGen allele CA494461941.

ClinVar aggregate classification (germline): Benign/Likely benign. Review status: criteria provided, multiple submitters, no conflicts (2 of 4 stars). 2 submissions from 2 submitters: Benign (1); Likely benign (1). Last evaluated 2025-01-10.

Conditions:
Familial cancer of breast. Also called: Hereditary breast cancer; hereditary breast carcinoma; BREAST CANCER, FAMILIAL. Identifiers: Orphanet 227535, MedGen C0346153, MONDO:0016419, OMIM 114480. Disease mechanism: loss of function.

Submissions (2):

Myriad Genetics, Inc.
Classification: Benign for Familial cancer of breast. Last evaluated: 2025-01-10. Review status: criteria provided, single submitter. Criteria: Myriad Autosomal Dominant, Autosomal Recessive and X-Linked Classification Criteria (2023). Collection method: clinical testing. Allele origin: unknown.
Comment: This variant is considered benign. This variant is a silent/synonymous amino acid change and it is not expected to impact splicing.

Labcorp Genetics (formerly Invitae), Labcorp
Classification: Likely benign for Familial cancer of breast. Last evaluated: 2020-03-12. Review status: criteria provided, single submitter. Criteria: Invitae Variant Classification Sherloc (09022015). Collection method: clinical testing. Allele origin: germline.